The following is an entry in ClinVar:

NM_021620.4(PRDM13):c.1229C>T (p.Pro410Leu)

Gene: PRDM13 (PR/SET domain 13; plus strand). Cytogenetic location: 6q16.2.
Variant type: single nucleotide variant.
Coding change: c.1229C>T on transcript NM_021620.4 (MANE Select); coding-DNA position 1229, C replaced by T.
Protein change: p.Pro410Leu; replaces proline 410 with leucine.
Molecular consequence: missense variant.
Genome position (GRCh38, 1-based): chr6:99,613,864, C>T. VCF-style: chr6-99613864-C-T. GRCh37 (hg19) VCF-style: chr6-100061740-C-T.
Other names: c.1229C>T (NM_021620.3); short protein forms P410L.
Identifiers: ClinVar variation 1515882 (VCV001515882.13), dbSNP rs777548294, ClinGen allele CA3936333.

ClinVar aggregate classification (germline): Uncertain significance. Review status: criteria provided, multiple submitters, no conflicts (2 of 4 stars). 3 submissions from 3 submitters: Uncertain significance (3). Last evaluated 2026-01-01.

Conditions:
Inborn genetic diseases. Identifiers: MedGen C0950123, MeSH D030342.

Allele frequency attached by ClinVar (database versions not stated): gnomAD exomes 0.00001 and 0.00002; TOPMed 0.00002; ExAC 0.00009.
gnomAD v4.1: 18 of 1,509,222 alleles (0.0012%); highest among the groups gnomAD compares: Non-Finnish European, 0.0016%; no homozygotes.

Submissions (3):

CeGaT Center for Human Genetics Tuebingen
Classification: Uncertain significance. Last evaluated: 2026-01-01. Review status: criteria provided, single submitter. Criteria: CeGaT Center For Human Genetics Tuebingen Variant Classification Criteria Version 2. Collection method: clinical testing. Allele origin: germline. Affected: yes. Observed: 1 variant allele.

Labcorp Genetics (formerly Invitae), Labcorp
Classification: Uncertain significance. Last evaluated: 2025-07-03. Review status: criteria provided, single submitter. Criteria: Invitae Variant Classification Sherloc (09022015). Collection method: clinical testing. Allele origin: germline.
Comment: This sequence change replaces proline, which is neutral and non-polar, with leucine, which is neutral and non-polar, at codon 410 of the PRDM13 protein (p.Pro410Leu). This variant is present in population databases (rs777548294, gnomAD 0.004%). This variant has not been reported in the literature in individuals affected with PRDM13-related conditions. ClinVar contains an entry for this variant (Variation ID: 1515882). An algorithm developed to predict the effect of missense changes on protein structure and function (PolyPhen-2) suggests that this variant is likely to be tolerated. In summary, the available evidence is currently insufficient to determine the role of this variant in disease. Therefore, it has been classified as a Variant of Uncertain Significance.

Ambry Genetics
Classification: Uncertain significance for Inborn genetic diseases. Last evaluated: 2024-03-25. Review status: criteria provided, single submitter. Criteria: Ambry Variant Classification Scheme 2023. Collection method: clinical testing. Allele origin: germline.